The following is an entry in ClinVar:

ClinVar aggregate classification (germline): Likely pathogenic (1 of 4 stars; one submission).

Submission:

Labcorp Genetics (formerly Invitae), Labcorp
Classification: Likely pathogenic. Last evaluated: 2024-03-01. Review status: criteria provided, single submitter. Criteria: Invitae Variant Classification Sherloc (09022015). Collection method: clinical testing. Allele origin: germline.
Comment: This sequence change affects an acceptor splice site in intron 4 of the DDR2 gene. It is expected to disrupt RNA splicing. Variants that disrupt the donor or acceptor splice site typically lead to a loss of protein function (PMID: 16199547), and loss-of-function variants in DDR2 are known to be pathogenic (PMID: 11375938, 29884795). This variant is not present in population databases (gnomAD no frequency). This variant has not been reported in the literature in individuals affected with DDR2-related conditions. Algorithms developed to predict the effect of sequence changes on RNA splicing suggest that this variant may disrupt the consensus splice site. In summary, the currently available evidence indicates that the variant is pathogenic, but additional data are needed to prove that conclusively. Therefore, this variant has been classified as Likely Pathogenic.

Literature cited by the submitters: PubMed 16199547; PubMed 11375938; PubMed 29884795.

NM_006182.4(DDR2):c.186-1G>A

Gene: DDR2 (discoidin domain receptor tyrosine kinase 2; plus strand). Cytogenetic location: 1q23.3.
Variant type: single nucleotide variant.
Coding change: c.186-1G>A on transcript NM_006182.4 (MANE Select); the canonical splice acceptor site of the intron before coding-DNA position 186, G replaced by A.
Molecular consequence: splice acceptor variant.
Genome position (GRCh38, 1-based): chr1:162,754,623, G>A. VCF-style: chr1-162754623-G-A. GRCh37 (hg19) VCF-style: chr1-162724413-G-A.
Other names: c.186-1G>A (NM_001354983.2, NM_001354982.2, NM_001014796.3).
Identifiers: ClinVar variation 3641727 (VCV003641727.2).
Genomic context (GRCh38, chr1:162,754,623, plus strand): 5'-CCAGTAAACAGCTCTGTGGTTTCATGGTTGCTCCCTCTCTCCCCAACCCTCACCTCTCAA[G>A]GCTGGACTCAGAAGAAGGGGATGGAGCCTGGTGCCCTGAGATTCCAGTGGAACCTGATGA-3'